The following is an entry in ClinVar:

NM_000780.4(CYP7A1):c.1409T>C (p.Ile470Thr)

Gene: CYP7A1 (cytochrome P450 family 7 subfamily A member 1; minus strand). Cytogenetic location: 8q12.1.
Variant type: single nucleotide variant.
Coding change: c.1409T>C on transcript NM_000780.4 (MANE Select); coding-DNA position 1409, T replaced by C.
Protein change: p.Ile470Thr; replaces isoleucine 470 with threonine.
Molecular consequence: missense variant.
Genome position (GRCh38, 1-based): chr8:58,491,581, A>G on the plus strand (T>C on the coding strand, the complement: CYP7A1 is on the minus strand). VCF-style: chr8-58491581-A-G. GRCh37 (hg19) VCF-style: chr8-59404140-A-G.
Other names: c.1409T>C (NM_000780.3); short protein forms I470T.
Identifiers: ClinVar variation 593652 (VCV000593652.14), dbSNP rs779269724, ClinGen allele CA4756548.

ClinVar aggregate classification (germline): Conflicting classifications of pathogenicity. Review status: criteria provided, conflicting classifications (1 of 4 stars). 3 submissions from 3 submitters: Uncertain significance (1); Likely benign (1). 1 of the submissions does not count toward it. Last evaluated 2025-03-18.

Conditions:
CYP7A1-related disorder. Also called: CYP7A1-related condition.

Allele frequency attached by ClinVar (database versions not stated): gnomAD 0.00003 and 0.00004; TOPMed 0.00011; ExAC 0.00018; gnomAD exomes 0.00027.
gnomAD v4.1: 85 of 1,614,084 alleles (0.0053%); highest among the groups gnomAD compares: Admixed American, 0.14%; no homozygotes.

Submissions (3):

Labcorp Genetics (formerly Invitae), Labcorp
Classification: Likely benign. Last evaluated: 2025-03-18. Review status: criteria provided, single submitter. Criteria: Invitae Variant Classification Sherloc (09022015). Collection method: clinical testing. Allele origin: germline.

Eurofins Ntd Llc (ga)
Classification: Uncertain significance. Last evaluated: 2017-08-24. Review status: criteria provided, single submitter. Criteria: EGL Classification Definitions 2015. Collection method: clinical testing. Allele origin: germline. Observed: 1 variant allele, 1 heterozygote.

PreventionGenetics, part of Exact Sciences
Classification: Likely benign for CYP7A1-related condition. Last evaluated: 2022-05-05. Review status: no assertion criteria provided. Collection method: clinical testing. Allele origin: germline. Not counted in ClinVar's aggregate classification.
Comment: This variant is classified as likely benign based on ACMG/AMP sequence variant interpretation guidelines (Richards et al. 2015 PMID: 25741868, with internal and published modifications).